The following is an entry in ClinVar:

NM_005251.3(FOXC2):c.319C>G (p.Pro107Ala)

Genes: FOXC2 (forkhead box C2; plus strand), FOXC2-AS1 (FOXC2 antisense RNA 1; minus strand). Cytogenetic location: 16q24.1.
Variant type: single nucleotide variant.
Coding change: c.319C>G on transcript NM_005251.3 (MANE Select); coding-DNA position 319, C replaced by G.
Protein change: p.Pro107Ala; replaces proline 107 with alanine.
Molecular consequence: missense variant. On other transcripts: non-coding transcript variant (1).
Genome position (GRCh38, 1-based): chr16:86,567,654, C>G. VCF-style: chr16-86567654-C-G. GRCh37 (hg19) VCF-style: chr16-86601260-C-G.
Other names: short protein forms P107A.
Identifiers: ClinVar variation 2294724 (VCV002294724.4), dbSNP rs1171987648, ClinGen allele CA397006813.
Genomic context (GRCh38, chr16:86,567,654, plus strand): 5'-AACGCGCCCGAGAAGAAGATCACCTTGAACGGCATCTACCAGTTCATCATGGACCGCTTC[C>G]CCTTCTACCGGGAGAACAAGCAGGGCTGGCAGAACAGCATCCGCCACAACCTCTCGCTCA-3'
Protein context (NP_005242.1, residues 97-117): GIYQFIMDRF[Pro107Ala]FYRENKQGWQ

ClinVar aggregate classification (germline): Uncertain significance. Review status: criteria provided, multiple submitters, no conflicts (2 of 4 stars). 2 submissions from 2 submitters: Uncertain significance (2). Last evaluated 2025-09-01.

Conditions:
Inborn genetic diseases. Identifiers: MedGen C0950123, MeSH D030342.

Allele frequency attached by ClinVar (database versions not stated): TOPMed below 0.00001; gnomAD 0.00001.
gnomAD v4.1: 7 of 1,614,034 alleles (0.00043%); highest among the groups gnomAD compares: African/African-American, 0.008%; no homozygotes.

Submissions (2):

Ambry Genetics
Classification: Uncertain significance for Inborn genetic diseases. Last evaluated: 2025-09-01. Review status: criteria provided, single submitter. Criteria: Ambry Variant Classification Scheme 2023. Collection method: clinical testing. Allele origin: germline.

GeneDx
Classification: Uncertain significance. Last evaluated: 2023-02-15. Review status: criteria provided, single submitter. Criteria: GeneDx Variant Classification Process June 2021. Collection method: clinical testing. Allele origin: germline. Affected: yes.
Comment: Not observed at significant frequency in large population cohorts (gnomAD); In silico analysis supports that this missense variant has a deleterious effect on protein structure/function; Has not been previously published as pathogenic or benign to our knowledge